The following is an entry in ClinVar:

NM_015570.4(AUTS2):c.626G>A (p.Ser209Asn)

Gene: AUTS2 (activator of transcription and developmental regulator AUTS2; plus strand). Cytogenetic location: 7q11.22.
Variant type: single nucleotide variant.
Coding change: c.626G>A on transcript NM_015570.4 (MANE Select); coding-DNA position 626, G replaced by A.
Protein change: p.Ser209Asn; replaces serine 209 with asparagine.
Molecular consequence: missense variant.
Genome position (GRCh38, 1-based): chr7:70,134,537, G>A. VCF-style: chr7-70134537-G-A. GRCh37 (hg19) VCF-style: chr7-69599523-G-A.
Other names: c.626G>A, p.Ser209Asn (NM_001127231.3, NM_001127232.3); short protein forms S209N.
Identifiers: ClinVar variation 2439434 (VCV002439434.6), dbSNP rs373179538, ClinGen allele CA4280384.
Genomic context (GRCh38, chr7:70,134,537, plus strand): 5'-TTGGAACGTGTTAAAAACCATTGCTGATTTTCCACTTTTGTCTTTATGCTTTATTGCAGA[G>A]TTCAGCTCCTTCCAGCTTGGGAACAGGCTACTTCGTAAGTCTATCTCAACTTCCACATAT-3'
Protein context (NP_056385.1, residues 199-219): RSSSRERLSD[Ser209Asn]SAPSSLGTGY

ClinVar aggregate classification (germline): Uncertain significance. Review status: criteria provided, multiple submitters, no conflicts (2 of 4 stars). 2 submissions from 2 submitters: Uncertain significance (2). Last evaluated 2025-03-17.

Conditions:
Autism spectrum disorder due to AUTS2 deficiency (MRD26). Also called: INTELLECTUAL DEVELOPMENTAL DISORDER, AUTOSOMAL DOMINANT 26. Identifiers: Orphanet 352490, MedGen C4014435, MONDO:0014361, OMIM 615834.

Allele frequency attached by ClinVar (database versions not stated): TOPMed 0.00002; ESP Exome Variant Server 0.00008; ExAC 0.00001; gnomAD 0.00001; gnomAD exomes 0.00003.
gnomAD v4.1: 37 of 1,613,632 alleles (0.0023%); highest among the groups gnomAD compares: Non-Finnish European, 0.0031%; no homozygotes.

Submissions (2):

Labcorp Genetics (formerly Invitae), Labcorp
Classification: Uncertain significance. Last evaluated: 2025-03-17. Review status: criteria provided, single submitter. Criteria: Invitae Variant Classification Sherloc (09022015). Collection method: clinical testing. Allele origin: germline.
Comment: This sequence change replaces serine, which is neutral and polar, with asparagine, which is neutral and polar, at codon 209 of the AUTS2 protein (p.Ser209Asn). This variant is present in population databases (rs373179538, gnomAD 0.0009%). This variant has not been reported in the literature in individuals affected with AUTS2-related conditions. ClinVar contains an entry for this variant (Variation ID: 2439434). An algorithm developed to predict the effect of missense changes on protein structure and function (PolyPhen-2) suggests that this variant is likely to be disruptive. In summary, the available evidence is currently insufficient to determine the role of this variant in disease. Therefore, it has been classified as a Variant of Uncertain Significance.

Revvity Omics, Revvity
Classification: Uncertain significance for Autism spectrum disorder due to AUTS2 deficiency. Last evaluated: 2019-11-13. Review status: criteria provided, single submitter. Criteria: ACMG Guidelines, 2015. Collection method: clinical testing. Allele origin: germline.